The following is an entry in ClinVar:

NM_003482.4(KMT2D):c.10124C>T (p.Pro3375Leu)

Gene: KMT2D (lysine methyltransferase 2D; minus strand). Cytogenetic location: 12q13.12.
Variant type: single nucleotide variant.
Coding change: c.10124C>T on transcript NM_003482.4 (MANE Select); coding-DNA position 10124, C replaced by T.
Protein change: p.Pro3375Leu; replaces proline 3375 with leucine.
Molecular consequence: missense variant.
Genome position (GRCh38, 1-based): chr12:49,037,232, G>A on the plus strand (C>T on the coding strand, the complement: KMT2D is on the minus strand). VCF-style: chr12-49037232-G-A. GRCh37 (hg19) VCF-style: chr12-49431015-G-A.
Other names: short protein forms P3375L.
Identifiers: ClinVar variation 5000971 (VCV005000971.1).

ClinVar aggregate classification (germline): Uncertain significance (1 of 4 stars; one submission).

Conditions:
KMT2D-related disorder. Also called: KMT2D-Related Disorders.

Submission:

PreventionGenetics, part of Exact Sciences
Classification: Uncertain significance for KMT2D-related condition. Last evaluated: 2025-03-06. Review status: criteria provided, single submitter. Criteria: ACMG Guidelines, 2015. Collection method: clinical testing. Allele origin: germline.
Comment: The KMT2D c.10124C>T variant is predicted to result in the amino acid substitution p.Pro3375Leu. To our knowledge, this variant has not been reported in the literature or in a large population database (gnomAD), indicating this variant is rare. At this time, the clinical significance of this variant is uncertain due to the absence of conclusive functional and genetic evidence.